The following is an entry in ClinVar:

ClinVar aggregate classification (germline): Conflicting classifications of pathogenicity. Review status: criteria provided, conflicting classifications (1 of 4 stars). 3 submissions from 3 submitters: Likely pathogenic (1); Uncertain significance (1). 1 of the submissions does not count toward it. Last evaluated 2024-01-08.

Conditions:
Mitochondrial complex I deficiency, nuclear type 2. Also called: Mitochondrial complex 1 deficiency, nuclear type 2. Identifiers: MedGen C4748737, MONDO:0032606, OMIM 618222.

Allele frequency attached by ClinVar (database versions not stated): TOPMed below 0.00001; gnomAD 0.00001; gnomAD exomes 0.00001; ExAC 0.00002.

Submissions (3):

Labcorp Genetics (formerly Invitae), Labcorp
Classification: Uncertain significance. Last evaluated: 2024-01-08. Review status: criteria provided, single submitter. Criteria: Invitae Variant Classification Sherloc (09022015). Collection method: clinical testing. Allele origin: germline.
Comment: This sequence change replaces arginine, which is basic and polar, with histidine, which is basic and polar, at codon 138 of the NDUFS8 protein (p.Arg138His). This variant is present in population databases (rs111033588, gnomAD 0.005%). This missense change has been observed in individual(s) with complex 1 deficiency (PMID: 15159508). ClinVar contains an entry for this variant (Variation ID: 7514). An algorithm developed to predict the effect of missense changes on protein structure and function (PolyPhen-2) suggests that this variant is likely to be disruptive. In summary, the available evidence is currently insufficient to determine the role of this variant in disease. Therefore, it has been classified as a Variant of Uncertain Significance.

Department of Pathology and Laboratory Medicine, Sinai Health System
Classification: Likely pathogenic for Mitochondrial complex I deficiency, nuclear type 2. Last evaluated: 2023-01-11. Review status: criteria provided, single submitter. Criteria: ACMG Guidelines, 2015. Collection method: research. Allele origin: germline.

OMIM
Classification: Pathogenic for MITOCHONDRIAL COMPLEX I DEFICIENCY, NUCLEAR TYPE 2. Last evaluated: 2004-05-25. Review status: no assertion criteria provided. Collection method: literature only. Allele origin: germline. Not counted in ClinVar's aggregate classification.

Literature cited by the submitters: PubMed 15159508 (cited by Labcorp Genetics (formerly Invitae), Labcorp and OMIM).

NM_002496.4(NDUFS8):c.413G>A (p.Arg138His)

Gene: NDUFS8 (NADH:ubiquinone oxidoreductase core subunit S8; plus strand). Cytogenetic location: 11q13.2.
Variant type: single nucleotide variant.
Coding change: c.413G>A on transcript NM_002496.4 (MANE Select); coding-DNA position 413, G replaced by A.
Protein change: p.Arg138His; replaces arginine 138 with histidine.
Molecular consequence: missense variant.
Genome position (GRCh38, 1-based): chr11:68,036,293, G>A. VCF-style: chr11-68036293-G-A. GRCh37 (hg19) VCF-style: chr11-67803760-G-A.
Other names: short protein forms R138H.
Identifiers: ClinVar variation 7514 (VCV000007514.6), dbSNP rs111033588, ClinGen allele CA118857.